The following is an entry in ClinVar:

NM_000136.3(FANCC):c.1254C>T (p.Pro418=)

Genes: AOPEP (aminopeptidase O (putative); plus strand), FANCC (FA complementation group C; minus strand). Cytogenetic location: 9q22.32.
Variant type: single nucleotide variant.
Coding change: c.1254C>T on transcript NM_000136.3 (MANE Select); coding-DNA position 1254, C replaced by T.
Protein change: p.Pro418=; no amino-acid change (proline 418 retained).
Molecular consequence: synonymous variant.
Genome position (GRCh38, 1-based): chr9:95,111,538, G>A on the plus strand (C>T on the coding strand, the complement: FANCC is on the minus strand). VCF-style: chr9-95111538-G-A. GRCh37 (hg19) VCF-style: chr9-97873820-G-A.
Other names: c.1254C>T, p.Pro418= (NM_001243743.2, NM_001243744.2).
Identifiers: ClinVar variation 382711 (VCV000382711.11), dbSNP rs1057521431, ClinGen allele CA16605742.
Genomic context (GRCh38, chr9:95,111,538, plus strand): 5'-CTGCTGCCTCCCATCACGGGGGCCGTAGTAGAAGGCCAAGAGCCACAGCAGGGCCGTGGG[G>A]GGTTCGGCTGCCGACATCAGTAATTGCTCTGCCACCATCTCAGCCCATCCTCCGAAGTGA-3'
Protein context (NP_000127.2, residues 408-428): AEQLLMSAAE[Pro418=]PTALLWLLAF

ClinVar aggregate classification (germline): Likely benign. Review status: criteria provided, multiple submitters, no conflicts (2 of 4 stars). 4 submissions from 4 submitters: Likely benign (3). 1 of the submissions does not count toward it. Last evaluated 2023-01-03.

Conditions:
Fanconi anemia complementation group C (FANCC). Also called: FANCONI PANCYTOPENIA, TYPE 3; FACC; FANCC-Related Fanconi Anemia; Fanconi anemia, group C. Identifiers: Orphanet 84, MedGen C3468041, MONDO:0009213, OMIM 227645.
Fanconi anemia (FA). Also called: Fanconi's anemia. Identifiers: Orphanet 84, MedGen C0015625, MeSH D005199, MONDO:0019391.
Hereditary cancer-predisposing syndrome. Also called: Hereditary Cancer Syndrome; Hereditary neoplastic syndrome; Neoplastic Syndromes, Hereditary; Tumor predisposition. Identifiers: Orphanet 140162, MedGen C0027672, MeSH D009386, MONDO:0015356.

Submissions (4):

Ambry Genetics
Classification: Likely benign for Hereditary cancer-predisposing syndrome. Last evaluated: 2023-01-03. Review status: criteria provided, single submitter. Criteria: Ambry Variant Classification Scheme 2023. Collection method: clinical testing. Allele origin: germline.

Labcorp Genetics (formerly Invitae), Labcorp
Classification: Likely benign for Fanconi anemia. Last evaluated: 2020-12-21. Review status: criteria provided, single submitter. Criteria: Invitae Variant Classification Sherloc (09022015). Collection method: clinical testing. Allele origin: germline.

GeneDx
Classification: Likely benign. Last evaluated: 2015-12-30. Review status: criteria provided, single submitter. Criteria: GeneDx Variant Classification (06012015). Collection method: clinical testing. Allele origin: germline. Affected: yes.
Comment: This variant is considered likely benign or benign based on one or more of the following criteria: it is a conservative change, it occurs at a poorly conserved position in the protein, it is predicted to be benign by multiple in silico algorithms, and/or has population frequency not consistent with disease.

Natera, Inc.
Classification: Likely benign for Fanconi anemia, group C. Last evaluated: 2020-09-16. Review status: no assertion criteria provided. Collection method: clinical testing. Allele origin: germline. Not counted in ClinVar's aggregate classification.